The following is an entry in ClinVar:

NM_001142864.4(PIEZO1):c.2489T>C (p.Val830Ala)

Genes: HSALR1 (HSP90AB1 associated lncRNA 1; plus strand), PIEZO1 (piezo type mechanosensitive ion channel component 1 (Er blood group); minus strand). Cytogenetic location: 16q24.3.
Variant type: single nucleotide variant.
Coding change: c.2489T>C on transcript NM_001142864.4 (MANE Select); coding-DNA position 2489, T replaced by C.
Protein change: p.Val830Ala; replaces valine 830 with alanine.
Molecular consequence: missense variant.
Genome position (GRCh38, 1-based): chr16:88,733,453, A>G on the plus strand (T>C on the coding strand, the complement: PIEZO1 is on the minus strand). VCF-style: chr16-88733453-A-G. GRCh37 (hg19) VCF-style: chr16-88799861-A-G.
Other names: c.2489T>C (NM_001142864.3); short protein forms V830A.
Identifiers: ClinVar variation 3888685 (VCV003888685.2).
Genomic context (GRCh38, chr16:88,733,453, plus strand): 5'-AAGCGTGGGTAGGGCAGGGCGAAGGCCCACAGCACCACCAGCAGCAGGTTCATCACCGAC[A>G]CCTGAGGGCAGTGGGCACGTGGGGCTGGGCTTGGGGAGGGCAGTGGGCACGTGGGGCTGG-3'
Protein context (NP_001136336.2, residues 820-840): LYTVWVALKE[Val830Ala]SVMNLLLVVL

ClinVar aggregate classification (germline): Uncertain significance. Review status: criteria provided, multiple submitters, no conflicts (2 of 4 stars). 2 submissions from 2 submitters: Uncertain significance (2). Last evaluated 2026-06-27.

Conditions:
Inborn genetic diseases. Identifiers: MedGen C0950123, MeSH D030342.
PIEZO1-related disorder. Also called: PIEZO1-Related Disorders; PIEZO1-related condition.

Submissions (2):

PreventionGenetics, part of Exact Sciences
Classification: Uncertain significance for PIEZO1-related condition. Last evaluated: 2026-06-27. Review status: criteria provided, single submitter. Criteria: ACMG Guidelines, 2015. Collection method: clinical testing. Allele origin: germline.
Comment: The PIEZO1 c.2489T>C variant is predicted to result in the amino acid substitution p.Val830Ala. To our knowledge, this variant has not been reported in the literature. This variant is reported in 0.018% of alleles in individuals of South Asian descent in gnomAD. At this time, the clinical significance of this variant is uncertain due to the absence of conclusive functional and genetic evidence.

Ambry Genetics
Classification: Uncertain significance for Inborn genetic diseases. Last evaluated: 2025-01-03. Review status: criteria provided, single submitter. Criteria: Ambry Variant Classification Scheme 2023. Collection method: clinical testing. Allele origin: germline.